The following is an entry in ClinVar:

ClinVar aggregate classification (germline): Uncertain significance. Review status: criteria provided, multiple submitters, no conflicts (2 of 4 stars). 3 submissions from 2 submitters: Uncertain significance (2). 1 of the submissions does not count toward it. Last evaluated 2025-05-07.

Conditions:
Early-infantile DEE. Also called: Ohtahara syndrome; Early infantile epileptic encephalopathy with suppression bursts; Early infantile epileptic encephalopathy. Identifiers: Orphanet 1934, MedGen C0393706, MONDO:0800491.

Allele frequency attached by ClinVar (database versions not stated): ExAC below 0.00001; TOPMed below 0.00001.
gnomAD v4.1: 2 of 1,524,166 alleles (0.00013%); highest among the groups gnomAD compares: Non-Finnish European, 0.00017%; no homozygotes.

Submissions (3):

Labcorp Genetics (formerly Invitae), Labcorp
Classification: Uncertain significance for Early-infantile DEE. Last evaluated: 2025-05-07. Review status: criteria provided, single submitter. Criteria: Invitae Variant Classification Sherloc (09022015). Collection method: clinical testing. Allele origin: germline.
Comment: This sequence change replaces lysine, which is basic and polar, with asparagine, which is neutral and polar, at codon 4 of the KCNQ2 protein (p.Lys4Asn). This variant is not present in population databases (gnomAD no frequency). This variant has not been reported in the literature in individuals affected with KCNQ2-related conditions. ClinVar contains an entry for this variant (Variation ID: 373753). Invitae Evidence Modeling of protein sequence and biophysical properties (such as structural, functional, and spatial information, amino acid conservation, physicochemical variation, residue mobility, and thermodynamic stability) indicates that this missense variant is expected to disrupt KCNQ2 protein function with a positive predictive value of 95%. In summary, the available evidence is currently insufficient to determine the role of this variant in disease. Therefore, it has been classified as a Variant of Uncertain Significance.

GeneDx
Classification: Uncertain significance. Last evaluated: 2020-02-26. Review status: criteria provided, single submitter. Criteria: GeneDx Variant Classification Process June 2021. Collection method: clinical testing. Allele origin: germline. Affected: yes.
Comment: Has not been previously published as pathogenic or benign to our knowledge; Missense variants in this gene are often considered pathogenic (Stenson et al., 2014); In silico analysis supports that this missense variant does not alter protein structure/function

GeneDx
Classification: Uncertain significance. Last evaluated: 2016-12-13. Review status: flagged submission. Criteria: GeneDx Variant Classification (06012015). Collection method: clinical testing. Allele origin: germline. Affected: yes. Not counted in ClinVar's aggregate classification.
Comment: A variant of uncertain significance has been identified in the KCNQ2 gene. The K4N variant has not been published as a pathogenic variant, nor has it been reported as a benign variant to our knowledge. The K4N variant is not observed in large population cohorts (Lek et al., 2016; 1000 Genomes Consortium et al., 2015; Exome Variant Server). The K4N variant is a semi-conservative amino acid substitution, which may impact secondary protein structure as these residues differ in some properties. This substitution alters a conserved position predicted to be within the N-terminal cytoplasmic domain. However, in silico analysis is inconsistent in its predictions as to whether or not the variant is damaging to the protein structure/function. Therefore, based on the currently available information, it is unclear whether this variant is a pathogenic variant or a rare benign variant.
ClinVar note: Reason: This record appears to be redundant with a more recent record from the same submitter.
ClinVar note: Notes: SCV000492374 appears to be redundant with SCV001770880.

NM_172107.4(KCNQ2):c.12G>C (p.Lys4Asn)

Gene: KCNQ2 (potassium voltage-gated channel subfamily Q member 2; minus strand). Cytogenetic location: 20q13.33.
Variant type: single nucleotide variant.
Coding change: c.12G>C on transcript NM_172107.4 (MANE Select); coding-DNA position 12, G replaced by C.
Protein change: p.Lys4Asn; replaces lysine 4 with asparagine.
Molecular consequence: missense variant.
Genome position (GRCh38, 1-based): chr20:63,472,452, C>G on the plus strand (G>C on the coding strand, the complement: KCNQ2 is on the minus strand). VCF-style: chr20-63472452-C-G. GRCh37 (hg19) VCF-style: chr20-62103805-C-G.
Other names: c.12G>C, p.Lys4Asn (NM_004518.6, NM_172106.3, NM_172108.5 and 1 more transcripts); short protein forms K4N.
Identifiers: ClinVar variation 373753 (VCV000373753.5), dbSNP rs776223064, ClinGen allele CA9958905.